The following is an entry in ClinVar:

ClinVar aggregate classification (germline): Uncertain significance (1 of 4 stars; one submission).

Conditions:
Brugada syndrome 8 (BRGDA8). Identifiers: Orphanet 130, MedGen C2751083, MONDO:0013148, OMIM 613123.

Allele frequency attached by ClinVar (database versions not stated): TOPMed below 0.00001.
gnomAD v4.1: 35 of 1,610,614 alleles (0.0022%); highest among the groups gnomAD compares: Non-Finnish European, 0.0029%; no homozygotes.

Submission:

Labcorp Genetics (formerly Invitae), Labcorp
Classification: Uncertain significance for Brugada syndrome 8. Last evaluated: 2025-06-29. Review status: criteria provided, single submitter. Criteria: Invitae Variant Classification Sherloc (09022015). Collection method: clinical testing. Allele origin: germline.
Comment: This sequence change replaces glycine, which is neutral and non-polar, with valine, which is neutral and non-polar, at codon 1169 of the HCN4 protein (p.Gly1169Val). This variant is not present in population databases (gnomAD no frequency). This variant has not been reported in the literature in individuals affected with HCN4-related conditions. ClinVar contains an entry for this variant (Variation ID: 1910173). Invitae Evidence Modeling of protein sequence and biophysical properties (such as structural, functional, and spatial information, amino acid conservation, physicochemical variation, residue mobility, and thermodynamic stability) indicates that this missense variant is not expected to disrupt HCN4 protein function with a negative predictive value of 95%. In summary, the available evidence is currently insufficient to determine the role of this variant in disease. Therefore, it has been classified as a Variant of Uncertain Significance.

NM_005477.3(HCN4):c.3506G>T (p.Gly1169Val)

Gene: HCN4 (hyperpolarization activated cyclic nucleotide gated potassium channel 4; minus strand). Cytogenetic location: 15q24.1.
Variant type: single nucleotide variant.
Coding change: c.3506G>T on transcript NM_005477.3 (MANE Select); coding-DNA position 3506, G replaced by T.
Protein change: p.Gly1169Val; replaces glycine 1169 with valine.
Molecular consequence: missense variant.
Genome position (GRCh38, 1-based): chr15:73,322,587, C>A on the plus strand (G>T on the coding strand, the complement: HCN4 is on the minus strand). VCF-style: chr15-73322587-C-A. GRCh37 (hg19) VCF-style: chr15-73614928-C-A.
Other names: short protein forms G1169V.
Identifiers: ClinVar variation 1910173 (VCV001910173.5), dbSNP rs1393815632, ClinGen allele CA393085069.